The following is an entry in ClinVar:

ClinVar aggregate classification (germline): Likely benign (1 of 4 stars; one submission).

Allele frequency attached by ClinVar (database versions not stated): TOPMed 0.00360; 1000 Genomes Project 30x 0.00375; ESP Exome Variant Server 0.00377; 1000 Genomes Project 0.00379.
gnomAD v4.1: 1,112 of 1,598,212 alleles (0.07%); highest among the groups gnomAD compares: African/African-American, 1.3%; 10 homozygotes.

Submission:

GeneDx
Classification: Likely benign. Last evaluated: 2018-06-16. Review status: criteria provided, single submitter. Criteria: GeneDx Variant Classification (06012015). Collection method: clinical testing. Allele origin: germline. Affected: yes.
Comment: This variant is considered likely benign or benign based on one or more of the following criteria: it is a conservative change, it occurs at a poorly conserved position in the protein, it is predicted to be benign by multiple in silico algorithms, and/or has population frequency not consistent with disease.

NM_172107.4(KCNQ2):c.387+24G>T

Gene: KCNQ2 (potassium voltage-gated channel subfamily Q member 2; minus strand). Cytogenetic location: 20q13.33.
Variant type: single nucleotide variant.
Coding change: c.387+24G>T on transcript NM_172107.4 (MANE Select); 24 bases into the intron after coding-DNA position 387, G replaced by T.
Molecular consequence: intron variant.
Genome position (GRCh38, 1-based): chr20:63,446,723, C>A on the plus strand (G>T on the coding strand, the complement: KCNQ2 is on the minus strand). VCF-style: chr20-63446723-C-A. GRCh37 (hg19) VCF-style: chr20-62078076-C-A.
Other names: c.387+24G>T (NM_004518.6, NM_172108.5, NM_172106.3 and 1 more transcripts).
Identifiers: ClinVar variation 674471 (VCV000674471.1), dbSNP rs113724995, ClinGen allele CA9958847.